The following is an entry in ClinVar:

NM_178857.6(RP1L1):c.7134C>A (p.Leu2378=)

Gene: RP1L1 (RP1 like 1). Cytogenetic location: 8p23.1.
Variant type: single nucleotide variant.
Coding change: c.7134C>A on transcript NM_178857.6 (MANE Select); coding-DNA position 7134, C replaced by A.
Protein change: p.Leu2378=; no amino-acid change (leucine 2378 retained).
Molecular consequence: synonymous variant.
Genome position (GRCh38, 1-based): chr8:10,606,964, G>T on the plus strand (C>A on the coding strand, the complement: RP1L1 is on the minus strand). VCF-style: chr8-10606964-G-T. GRCh37 (hg19) VCF-style: chr8-10464474-G-T.
Identifiers: ClinVar variation 4872860 (VCV004872860.3).
Genomic context (GRCh38, chr8:10,606,964, plus strand): 5'-TAAGTCATCTTGGCCAAAGCCGTCTGCCCTGCCCACTGCCTCAGTGGGGGCGAGACTTCC[G>T]AGTGCCTGGTCCTCTTGTAGGTCATAACCTTCACTGGCCCCCTGCTCTGGAGTCCTTGAG-3'
Protein context (NP_849188.4, residues 2368-2388): EGYDLQEDQA[Leu2378=]GSLAPTEAVG

ClinVar aggregate classification (germline): Likely benign. Review status: criteria provided, multiple submitters, no conflicts (2 of 4 stars). 2 submissions from 2 submitters: Likely benign (2). Last evaluated 2026-06-01.

gnomAD v4.1: 733 of 1,614,232 alleles (0.045%); highest among the groups gnomAD compares: African/African-American, 0.85%; 4 homozygotes.

Submissions (2):

CeGaT Center for Human Genetics Tuebingen
Classification: Likely benign. Last evaluated: 2026-06-01. Review status: criteria provided, single submitter. Criteria: CeGaT Center For Human Genetics Tuebingen Variant Classification Criteria Version 2. Collection method: clinical testing. Allele origin: germline. Affected: yes. Observed: 1 variant allele.
Comment: RP1L1: BP4, BP7

Blueprint Genetics
Classification: Likely benign. Last evaluated: 2024-09-02. Review status: criteria provided, single submitter. Criteria: ACMG Guidelines, 2015. Collection method: clinical testing. Allele origin: germline.